The following is an entry in ClinVar:

ClinVar aggregate classification (germline): Uncertain significance. Review status: criteria provided, multiple submitters, no conflicts (2 of 4 stars). 2 submissions from 2 submitters: Uncertain significance (2). Last evaluated 2025-08-31.

Conditions:
Inborn genetic diseases. Identifiers: MedGen C0950123, MeSH D030342.

Submissions (2):

Ambry Genetics
Classification: Uncertain significance for Inborn genetic diseases. Last evaluated: 2025-08-31. Review status: criteria provided, single submitter. Criteria: Ambry Variant Classification Scheme 2023. Collection method: clinical testing. Allele origin: germline.

GeneDx
Classification: Uncertain significance. Last evaluated: 2024-03-20. Review status: criteria provided, single submitter. Criteria: GeneDx Variant Classification Process June 2021. Collection method: clinical testing. Allele origin: germline. Affected: yes.
Comment: Not observed at significant frequency in large population cohorts (gnomAD); In silico analysis supports that this missense variant does not alter protein structure/function; Has not been previously published as pathogenic or benign to our knowledge

NM_001190274.2(FBXO11):c.700G>C (p.Glu234Gln)

Gene: FBXO11 (F-box protein 11; minus strand). Cytogenetic location: 2p16.3.
Variant type: single nucleotide variant.
Coding change: c.700G>C on transcript NM_001190274.2 (MANE Select); coding-DNA position 700, G replaced by C.
Protein change: p.Glu234Gln; replaces glutamic acid 234 with glutamine.
Molecular consequence: missense variant.
Genome position (GRCh38, 1-based): chr2:47,835,889, C>G on the plus strand (G>C on the coding strand, the complement: FBXO11 is on the minus strand). VCF-style: chr2-47835889-C-G. GRCh37 (hg19) VCF-style: chr2-48063028-C-G.
Other names: c.448G>C, p.Glu150Gln (NM_001374325.1, NM_025133.4); short protein forms E150Q, E234Q.
Identifiers: ClinVar variation 3371006 (VCV003371006.2).
Genomic context (GRCh38, chr2:47,835,889, plus strand): 5'-AAATGTATAATATAAACCAATATATTCTATTTATATTTCATACCAACTGCTGGAAACTCT[C>G]TTTCCAGGGATTTGGATGTTCATACTCTTCTGGATTAATCTGGTAGAATTTTCCAGGTTC-3'
Protein context (NP_001177203.1, residues 224-244): EEYEHPNPWK[Glu234Gln]SFQQLYKGAH